The following is an entry in ClinVar:

ClinVar aggregate classification (germline): Pathogenic (1 of 4 stars; one submission).

Submission:

Labcorp Genetics (formerly Invitae), Labcorp
Classification: Pathogenic. Last evaluated: 2023-12-19. Review status: criteria provided, single submitter. Criteria: Invitae Variant Classification Sherloc (09022015). Collection method: clinical testing. Allele origin: germline.
Comment: This sequence change creates a premature translational stop signal (p.Tyr615*) in the COL10A1 gene. While this is not anticipated to result in nonsense mediated decay, it is expected to disrupt the last 66 amino acid(s) of the COL10A1 protein. This variant is not present in population databases (gnomAD no frequency). This premature translational stop signal has been observed in individual(s) with autosomal dominant metaphyseal chondrodysplasia, Schmid type (PMID: 16088909). Algorithms developed to predict the effect of variants on protein structure and function are not available or were not evaluated for this variant. Experimental studies have shown that this premature translational stop signal affects COL10A1 function (PMID: 20872587). This variant is located in a region of the COL10A1 protein where a significant number of COL10A1 nonsense and frameshift mutations have been reported in association with autosomal dominant metaphyseal chondrodysplasia (PMID: 21447328, 33764685, 36400164). For these reasons, this variant has been classified as Pathogenic.

Literature cited by the submitters: PubMed 16088909; PubMed 20872587; PubMed 21447328; PubMed 33764685; PubMed 36400164.

NM_000493.4(COL10A1):c.1844dup (p.Tyr615Ter)

Genes: COL10A1 (collagen type X alpha 1 chain; minus strand), NT5DC1 (5'-nucleotidase domain containing 1; plus strand). Cytogenetic location: 6q22.1.
Variant type: Duplication.
Coding change: c.1844dup on transcript NM_000493.4 (MANE Select); coding-DNA position 1844, one base duplicated (A; older notation c.1844dupA).
Protein change: p.Tyr615Ter; replaces tyrosine 615 with a stop codon.
Molecular consequence: nonsense. On other transcripts: intron variant (1).
Genome position (GRCh38, 1-based): chr6:116,120,272, T duplicated on the plus strand (A on the coding strand, the reverse complement: COL10A1 is on the minus strand). VCF-style (leftmost placement, unchanged base first): chr6-116120271-A-AT. GRCh37 (hg19) VCF-style: chr6-116441434-A-AT.
Other names: c.529+2327dup (NM_152729.3); c.1844dup, p.Tyr615Ter (NM_001424106.1, NM_001424107.1); short protein forms Y615*.
Identifiers: ClinVar variation 2769683 (VCV002769683.3), dbSNP rs2534084292, ClinGen allele CA2697553661.